The following is an entry in ClinVar:

NM_006506.5(RASA2):c.902C>G (p.Ser301Cys)

Gene: RASA2 (RAS p21 protein activator 2; plus strand). Cytogenetic location: 3q23.
Variant type: single nucleotide variant.
Coding change: c.902C>G on transcript NM_006506.5 (MANE Select); coding-DNA position 902, C replaced by G.
Protein change: p.Ser301Cys; replaces serine 301 with cysteine.
Molecular consequence: missense variant.
Genome position (GRCh38, 1-based): chr3:141,570,950, C>G. VCF-style: chr3-141570950-C-G. GRCh37 (hg19) VCF-style: chr3-141289792-C-G.
Other names: c.902C>G, p.Ser301Cys (NM_001303245.3, NM_001303246.3); short protein forms S301C.
Identifiers: ClinVar variation 3225613 (VCV003225613.1), dbSNP rs2478708785, ClinGen allele CA354775029.

ClinVar aggregate classification (germline): Uncertain significance (1 of 4 stars; one submission).

Submission:

Ambry Genetics
Classification: Uncertain significance. Last evaluated: 2024-01-11. Review status: criteria provided, single submitter. Criteria: Ambry Variant Classification Scheme 2023. Collection method: clinical testing. Allele origin: germline.
Comment: The p.S301C variant (also known as c.902C>G), located in coding exon 10 of the RASA2 gene, results from a C to G substitution at nucleotide position 902. The serine at codon 301 is replaced by cysteine, an amino acid with dissimilar properties. This amino acid position is conserved. In addition, this alteration is predicted to be tolerated by in silico analysis. Since supporting evidence is limited at this time, the clinical significance of this alteration remains unclear.